The following is an entry in ClinVar:

NM_002485.5(NBN):c.1891C>G (p.Leu631Val)

Genes: NBN (nibrin; minus strand), LOC126860438 (MED14-independent group 3 enhancer GRCh37_chr8:90959982-90961181; plus strand). Cytogenetic location: 8q21.3.
Variant type: single nucleotide variant.
Coding change: c.1891C>G on transcript NM_002485.5 (MANE Select); coding-DNA position 1891, C replaced by G.
Protein change: p.Leu631Val; replaces leucine 631 with valine.
Molecular consequence: missense variant.
Genome position (GRCh38, 1-based): chr8:89,947,847, G>C on the plus strand (C>G on the coding strand, the complement: NBN is on the minus strand). VCF-style: chr8-89947847-G-C. GRCh37 (hg19) VCF-style: chr8-90960075-G-C.
Other names: c.1645C>G, p.Leu549Val (NM_001024688.3); short protein forms L631V, L549V.
Identifiers: ClinVar variation 418857 (VCV000418857.19), dbSNP rs1064793477, ClinGen allele CA16618699.

ClinVar aggregate classification (germline): Conflicting classifications of pathogenicity. Review status: criteria provided, conflicting classifications (1 of 4 stars). 4 submissions from 4 submitters: Uncertain significance (3); Likely benign (1). Last evaluated 2025-10-28.

Conditions:
Microcephaly, normal intelligence and immunodeficiency (NBS). Also called: BERLIN BREAKAGE SYNDROME; SEEMANOVA SYNDROME II; Immunodeficiency, microcephaly with normal intelligence; Nijmegen breakage syndrome; Microcephaly with normal intelligence immunodeficiency and lymphoreticular malignancies; Nonsyndromal microcephaly autosomal recessive with normal intelligence. Identifiers: Orphanet 647, MedGen C0398791, MONDO:0009623, OMIM 251260.
Hereditary cancer-predisposing syndrome. Also called: Hereditary neoplastic syndrome; Hereditary Cancer Syndrome; Neoplastic Syndromes, Hereditary; Tumor predisposition. Identifiers: Orphanet 140162, MedGen C0027672, MeSH D009386, MONDO:0015356.

Submissions (4):

Labcorp Genetics (formerly Invitae), Labcorp
Classification: Likely benign for Microcephaly, normal intelligence and immunodeficiency. Last evaluated: 2025-10-28. Review status: criteria provided, single submitter. Criteria: Invitae Variant Classification Sherloc (09022015). Collection method: clinical testing. Allele origin: germline.

Ambry Genetics
Classification: Uncertain significance for Hereditary cancer-predisposing syndrome. Last evaluated: 2024-05-05. Review status: criteria provided, single submitter. Criteria: Ambry Variant Classification Scheme 2023. Collection method: clinical testing. Allele origin: germline.
Comment: The p.L631V variant (also known as c.1891C>G), located in coding exon 12 of the NBN gene, results from a C to G substitution at nucleotide position 1891. The leucine at codon 631 is replaced by valine, an amino acid with highly similar properties. This amino acid position is not well conserved in available vertebrate species. In addition, this alteration is predicted to be tolerated by in silico analysis. Since supporting evidence is limited at this time, the clinical significance of this alteration remains unclear.

Genome-Nilou Lab
Classification: Uncertain significance for Microcephaly, normal intelligence and immunodeficiency. Last evaluated: 2021-11-07. Review status: criteria provided, single submitter. Criteria: ACMG Guidelines, 2015. Collection method: clinical testing. Allele origin: germline. Affected: no.

GeneDx
Classification: Uncertain significance. Last evaluated: 2021-08-27. Review status: criteria provided, single submitter. Criteria: GeneDx Variant Classification Process June 2021. Collection method: clinical testing. Allele origin: germline. Affected: yes.
Comment: Not observed at significant frequency in large population cohorts (Lek et al., 2016); In silico analysis supports that this missense variant does not alter protein structure/function; Has not been previously published as pathogenic or benign to our knowledge